The following is an entry in ClinVar:

ClinVar aggregate classification (germline): Pathogenic (1 of 4 stars; one submission).

Conditions:
Long QT syndrome (LQTS). Identifiers: MedGen C0023976, MeSH D008133, MONDO:0002442. Disease mechanism: loss of function. Inheritance: Various modes of inheritance.

Submission:

Labcorp Genetics (formerly Invitae), Labcorp
Classification: Pathogenic for Long QT syndrome. Last evaluated: 2023-02-11. Review status: criteria provided, single submitter. Criteria: Invitae Variant Classification Sherloc (09022015). Collection method: clinical testing. Allele origin: germline.
Comment: This variant, c.721_726del, results in the deletion of 2 amino acid(s) of the KCNQ1 protein (p.Val241_Asp242del), but otherwise preserves the integrity of the reading frame. This variant is not present in population databases (gnomAD no frequency). This variant has not been reported in the literature in individuals affected with KCNQ1-related conditions. This variant disrupts a region of the KCNQ1 protein in which other variant(s) (p.Val241Phe) have been determined to be pathogenic (PMID: 23989646, 33600800; Invitae). This suggests that this is a clinically significant region of the protein, and that variants that disrupt it are likely to be disease-causing. For these reasons, this variant has been classified as Pathogenic.

Literature cited by the submitters: PubMed 23989646; PubMed 33600800.

NM_000218.3(KCNQ1):c.721_726del (p.Val241_Asp242del)

Gene: KCNQ1 (potassium voltage-gated channel subfamily Q member 1; plus strand). Cytogenetic location: 11p15.5.
Variant type: Deletion.
Coding change: c.721_726del on transcript NM_000218.3 (MANE Select); coding-DNA positions 721 to 726, 6 bases deleted (GTCGAC; older notation c.721_726delGTCGAC).
Protein change: p.Val241_Asp242del.
Molecular consequence: inframe deletion. On other transcripts: intron variant (1).
Genome position (GRCh38, 1-based): chr11:2,572,050-2,572,055, GTCGAC deleted; deleting any 6 consecutive bases within chr11:2,572,048-2,572,055 gives the same sequence; the c. name uses the placement nearest the transcript's 3' end. VCF-style (leftmost placement, unchanged base first): chr11-2572047-CACGTCG-C. GRCh37 (hg19) VCF-style: chr11-2593277-CACGTCG-C.
Other names: c.721_726del, p.Val241_Asp242del (NM_001406836.1); c.451_456del, p.Val151_Asp152del (NM_001406837.1); c.340_345del, p.Val114_Asp115del (NM_181798.2); c.478-11385_478-11380del (NM_001406838.1).
Identifiers: ClinVar variation 2836375 (VCV002836375.3), dbSNP rs2493671585, ClinGen allele CA2739276179.